The following is an entry in ClinVar:

ClinVar aggregate classification (germline): Pathogenic/Likely pathogenic. Review status: criteria provided, multiple submitters, no conflicts (2 of 4 stars). 15 submissions from 15 submitters: Pathogenic (12); Likely pathogenic (1). 2 of the submissions do not count toward it. Last evaluated 2025-08-03.

Conditions:
WISP3-related disorders.
Progressive pseudorheumatoid dysplasia (PPRD). Also called: SPONDYLOEPIPHYSEAL DYSPLASIA TARDA WITH PROGRESSIVE ARTHROPATHY; Progressive Pseudorheumatoid Arthropathy of Childhood. Identifiers: Orphanet 1159, MedGen C0432215, MONDO:0008827, OMIM 208230. Disease mechanism: loss of function.

Allele frequency attached by ClinVar (database versions not stated): ExAC 0.00003; gnomAD 0.00003; TOPMed 0.00003.
gnomAD v4.1: 38 of 1,614,052 alleles (0.0024%); highest among the groups gnomAD compares: Middle Eastern, 0.016%; no homozygotes.

Submissions (15):

Labcorp Genetics (formerly Invitae), Labcorp
Classification: Pathogenic. Last evaluated: 2025-08-03. Review status: criteria provided, single submitter. Criteria: Invitae Variant Classification Sherloc (09022015). Collection method: clinical testing. Allele origin: germline.
Comment: This sequence change creates a premature translational stop signal (p.Cys52*) in the WISP3 gene. It is expected to result in an absent or disrupted protein product. Loss-of-function variants in WISP3 are known to be pathogenic (PMID: 22791401). This variant is present in population databases (rs121908901, gnomAD 0.01%). This premature translational stop signal has been observed in individual(s) with progressive pseudorheumatoid dysplasia (PMID: 10471507, 16152649, 27291587, 29092958). ClinVar contains an entry for this variant (Variation ID: 6381). For these reasons, this variant has been classified as Pathogenic.

3billion
Classification: Pathogenic for Progressive pseudorheumatoid dysplasia. Last evaluated: 2025-02-13. Review status: criteria provided, single submitter. Criteria: ACMG Guidelines, 2015. Collection method: clinical testing. Allele origin: germline. Affected: yes.
Comment: The variant is observed at an extremely low frequency in the gnomAD v4.1.0 dataset (total allele frequency: 0.002%). Predicted Consequence/Location: Stop-gained (nonsense): predicted to result in a loss or disruption of normal protein function through nonsense-mediated decay (NMD) or protein truncation. Multiple pathogenic variants are reported downstream of the variant. The variant has been reported to co-segregate with the disease in at least 3 similarly affected relatives/individuals in the same family or similarly affected unrelated family (PMID: 29092958). The variant has been reported at least twice as pathogenic with clinical assertions and evidence for the classification (ClinVar ID: VCV000006381 /PMID: 10471507 /3billion dataset). Therefore, this variant is classified as Pathogenic according to the recommendation of ACMG/AMP guideline.

Dr.Nikuei Genetic Center
Classification: Pathogenic for Progressive pseudorheumatoid dysplasia. Last evaluated: 2024-07-10. Review status: criteria provided, single submitter. Criteria: ACMG Guidelines, 2015. Collection method: clinical testing. Allele origin: germline. Affected: yes.

Blueprint Genetics
Classification: Pathogenic for WISP3-related disorders. Last evaluated: 2024-04-12. Review status: criteria provided, single submitter. Criteria: ACMG Guidelines, 2015. Collection method: clinical testing. Allele origin: germline. Affected: yes. Observed: 5 variant alleles.

Genomic Medicine Center of Excellence, King Faisal Specialist Hospital and Research Centre
Classification: Likely pathogenic for Progressive pseudorheumatoid dysplasia. Last evaluated: 2024-04-04. Review status: criteria provided, single submitter. Criteria: ACMG Guidelines, 2015. Collection method: clinical testing. Allele origin: germline.

Neuberg Centre For Genomic Medicine, NCGM
Classification: Pathogenic for Progressive pseudorheumatoid dysplasia. Last evaluated: 2023-07-22. Review status: criteria provided, single submitter. Criteria: ACMG Guidelines, 2015. Collection method: clinical testing. Allele origin: germline. Inheritance: Autosomal recessive inheritance. Affected: yes.
Comment: The observed stop gain c.156C>A p.Cys52Ter variant in CCN6 gene has been previously reported in compound heterozygous state in multiple individuals affected with progressive pseudorheumatoid dysplasia Sheth H et al. 2021; Hurvitz JR et al. 1999. The p.Cys52Ter variant has allele frequency 0.004% in gnomAD Exomes. This variant has been submitted to the ClinVar database as Pathogenic multiple submitters. Computational evidence Mutation Taster - Disease causing predicts damaging effect on protein structure and function for this variant. The reference nucleotide change c.156C>A on CCN6 gene is predicted as conserved by GERP++ and PhyloP across 100 vertebrates. This variant is predicted to cause loss of normal protein function through protein truncation. Loss-of-function variants in WISP3 are known to be pathogenic Garcia Segarra N et al. 2012. For these reasons, this variant has been classified as Pathogenic.

GeneDx
Classification: Pathogenic. Last evaluated: 2023-06-23. Review status: criteria provided, single submitter. Criteria: GeneDx Variant Classification Process June 2021. Collection method: clinical testing. Allele origin: germline. Affected: yes.
Comment: Nonsense variant predicted to result in protein truncation or nonsense mediated decay in a gene for which loss of function is a known mechanism of disease; This variant is associated with the following publications: (PMID: 21528827, 25525159, 10471507, 16152649, 27291587, 29092958, 34650595, 27436824, 34919662, 34430442)

Women's Health and Genetics/Laboratory Corporation of America, LabCorp
Classification: Pathogenic for Progressive pseudorheumatoid dysplasia. Last evaluated: 2022-08-04. Review status: criteria provided, single submitter. Criteria: LabCorp Variant Classification Summary - May 2015. Collection method: clinical testing. Allele origin: germline.
Comment: Variant summary: CCN6 (also known as WISP3) c.156C>A (p.Cys52X) results in a premature termination codon, predicted to cause a truncation of the encoded protein or absence of the protein due to nonsense mediated decay, which are commonly known mechanisms for disease. Truncations downstream of this position have been classified as pathogenic by our laboratory. The variant allele was found at a frequency of 3.9e-05 in 282674 control chromosomes (gnomAD). This frequency is not significantly higher than expected for a pathogenic variant in CCN6 causing Progressive Pseudorheumatoid Dysplasia (3.9e-05 vs 0.0011), allowing no conclusion about variant significance. c.156C>A has been reported in the literature in multiple compound heterozygous and homozygous individuals affected with Progressive Pseudorheumatoid Dysplasia (Sailani_2018, Uttarilli_2018). These data indicate that the variant is very likely to be associated with disease. To our knowledge, no experimental evidence demonstrating an impact on protein function has been reported. Seven ClinVar submitters (evaluation after 2014) cite the variant as pathogenic. Based on the evidence outlined above, the variant was classified as pathogenic.

Revvity Omics, Revvity
Classification: Pathogenic for Progressive pseudorheumatoid dysplasia. Last evaluated: 2020-12-21. Review status: criteria provided, single submitter. Criteria: ACMG Guidelines, 2015. Collection method: clinical testing. Allele origin: germline.

Institute of Medical Genetics and Applied Genomics, University Hospital Tübingen
Classification: Pathogenic. Last evaluated: 2020-10-23. Review status: criteria provided, single submitter. Criteria: ACMG Guidelines, 2015. Collection method: clinical testing. Allele origin: germline. Inheritance: Autosomal recessive inheritance. Affected: yes.

Victorian Clinical Genetics Services, Murdoch Childrens Research Institute
Classification: Pathogenic for Progressive pseudorheumatoid dysplasia. Last evaluated: 2020-05-26. Review status: criteria provided, single submitter. Criteria: ACMG Guidelines, 2015. Collection method: clinical testing. Allele origin: germline. Inheritance: Autosomal recessive inheritance. Affected: yes.
Comment: Based on the classification scheme VCGS_Germline_v1.1.1, this variant is classified as Pathogenic. Following criteria are met: 0102 - Loss-of-function is a known mechanism of disease for this gene. (N) 0106 - This gene is known to be associated with autosomal recessive disease. (N) 0201 - Variant is predicted to cause nonsense-mediated decay (NMD) and loss of protein (exon 3 of 6). (P) 0251 - Variant is heterozygous. (N) 0304 - Variant is present in gnomAD <0.01 for a recessive condition (11 heterozygotes, 0 homozygotes). (P) 0701 - Comparable variants have very strong previous evidence for pathogenicity. Multiple variants predicted to cause NMD have been reported in individuals with progressive pseudorheumatoid arthropathy (ClinVar; Garcia Segarra, N., et al. (2012)) (P) 0801 - Strong previous evidence of pathogenicity in unrelated individuals. This variant has previously been reported in multiple patients (ClinVar, Sailani, M., et al. (2018); Garcia Segarra, N., et al. (2012)) (P) 1201 - Heterozygous variant detected in trans with a second (at least likely) pathogenic heterozygous variant in a recessive disease. (N) Legend: (P) - Pathogenic, (N) - Neutral, (B) - Benign

SIB Swiss Institute of Bioinformatics
Classification: Pathogenic for Progressive pseudorheumatoid dysplasia. Last evaluated: 2019-02-27. Review status: criteria provided, single submitter. Criteria: ACMG Guidelines, 2015. Collection method: curation. Allele origin: unknown.
Comment: This variant is interpreted as a Pathogenic for Progressive pseudorheumatoid arthropathy of childhood, autosomal recessive. The following ACMG Tag(s) were applied: PM2 : Absent from controls (or at extremely low frequency if recessive) in Exome Sequencing Project, 1000 Genomes Project, or Exome Aggregation Consortium. PP1-Moderate : PP1 upgraded in strength to Moderate (PMID:29092958). PP3 : Multiple lines of computational evidence support a deleterious effect on the gene or gene product. PM3-Very strong : PM3 upgraded in strength to Very Strong (PMID:10471507; 22987568; 25988854; 29092958; 16152649).

Centre for Mendelian Genomics, University Medical Centre Ljubljana
Classification: Pathogenic. Last evaluated: 2018-10-04. Review status: criteria provided, single submitter. Criteria: ACMG Guidelines, 2015. Collection method: clinical testing. Allele origin: unknown. Affected: yes.
Comment: This variant was classified as: Pathogenic. The following ACMG criteria were applied in classifying this variant: PVS1,PS1,PM2,PP3.

OMIM
Classification: Pathogenic for PROGRESSIVE PSEUDORHEUMATOID ARTHROPATHY. Last evaluated: 1999-09-01. Review status: no assertion criteria provided. Collection method: literature only. Allele origin: germline. Not counted in ClinVar's aggregate classification.

Snyder Lab, Genetics Department, Stanford University
Classification: Pathogenic for Progressive pseudorheumatoid dysplasia. Review status: no assertion criteria provided. Collection method: research. Allele origin: inherited. Inheritance: Autosomal recessive inheritance. Affected: yes. Not counted in ClinVar's aggregate classification.

Literature cited by the submitters: PubMed 22791401 (cited by Labcorp Genetics (formerly Invitae), Labcorp and Victorian Clinical Genetics Services, Murdoch Childrens Research Institute); PubMed 10471507 (cited by 4 submitters); PubMed 16152649 (cited by Labcorp Genetics (formerly Invitae), Labcorp and SIB Swiss Institute of Bioinformatics); PubMed 27291587 (cited by Labcorp Genetics (formerly Invitae), Labcorp); PubMed 29092958 (cited by 5 submitters); PubMed 30408610 (cited by Women's Health and Genetics/Laboratory Corporation of America, LabCorp); PubMed 22987568 (cited by SIB Swiss Institute of Bioinformatics); PubMed 25988854 (cited by SIB Swiss Institute of Bioinformatics).

NM_198239.2(CCN6):c.156C>A (p.Cys52Ter)

Gene: CCN6 (cellular communication network factor 6; plus strand). Cytogenetic location: 6q21.
Variant type: single nucleotide variant.
Coding change: c.156C>A on transcript NM_198239.2 (MANE Select); coding-DNA position 156, C replaced by A.
Protein change: p.Cys52Ter; replaces cysteine 52 with a stop codon.
Molecular consequence: nonsense. On other transcripts: non-coding transcript variant (2).
Genome position (GRCh38, 1-based): chr6:112,061,098, C>A. VCF-style: chr6-112061098-C-A. GRCh37 (hg19) VCF-style: chr6-112382301-C-A.
Other names: c.156C>A, p.Cys52Ter (NM_003880.4); short protein forms C52*, C70*.
Identifiers: ClinVar variation 6381 (VCV000006381.34), dbSNP rs121908901, ClinGen allele CA118180.